The following is an entry in ClinVar:

ClinVar aggregate classification (germline): Uncertain significance. Review status: criteria provided, multiple submitters, no conflicts (2 of 4 stars). 2 submissions from 2 submitters: Uncertain significance (2). Last evaluated 2025-08-01.

Conditions:
Hereditary cancer-predisposing syndrome. Also called: Neoplastic Syndromes, Hereditary; Tumor predisposition; Hereditary Cancer Syndrome; Hereditary neoplastic syndrome. Identifiers: Orphanet 140162, MedGen C0027672, MeSH D009386, MONDO:0015356.

Allele frequency attached by ClinVar (database versions not stated): TOPMed 0.00001.

Submissions (2):

Ambry Genetics
Classification: Uncertain significance for Hereditary cancer-predisposing syndrome. Last evaluated: 2025-08-01. Review status: criteria provided, single submitter. Criteria: Ambry Variant Classification Scheme 2023. Collection method: clinical testing. Allele origin: germline.

Labcorp Genetics (formerly Invitae), Labcorp
Classification: Uncertain significance. Last evaluated: 2024-10-06. Review status: criteria provided, single submitter. Criteria: Invitae Variant Classification Sherloc (09022015). Collection method: clinical testing. Allele origin: germline.
Comment: This sequence change replaces glutamine, which is neutral and polar, with proline, which is neutral and non-polar, at codon 476 of the CTNNA1 protein (p.Gln476Pro). This variant is not present in population databases (gnomAD no frequency). This variant has not been reported in the literature in individuals affected with CTNNA1-related conditions. ClinVar contains an entry for this variant (Variation ID: 1002361). Invitae Evidence Modeling of protein sequence and biophysical properties (such as structural, functional, and spatial information, amino acid conservation, physicochemical variation, residue mobility, and thermodynamic stability) indicates that this missense variant is not expected to disrupt CTNNA1 protein function with a negative predictive value of 80%. In summary, the available evidence is currently insufficient to determine the role of this variant in disease. Therefore, it has been classified as a Variant of Uncertain Significance.

NM_001903.5(CTNNA1):c.1427A>C (p.Gln476Pro)

Gene: CTNNA1 (catenin alpha 1; plus strand). Cytogenetic location: 5q31.2.
Variant type: single nucleotide variant.
Coding change: c.1427A>C on transcript NM_001903.5 (MANE Select); coding-DNA position 1427, A replaced by C.
Protein change: p.Gln476Pro; replaces glutamine 476 with proline.
Molecular consequence: missense variant. On other transcripts: 5 prime UTR variant (5).
Genome position (GRCh38, 1-based): chr5:138,917,779, A>C. VCF-style: chr5-138917779-A-C. GRCh37 (hg19) VCF-style: chr5-138253468-A-C.
Other names: c.1427A>C (NM_001903.2); c.1427A>C, p.Gln476Pro (NM_001290307.3, NM_001323982.2, NM_001323983.1 and 2 more transcripts); c.1118A>C, p.Gln373Pro (NM_001290309.3); c.1058A>C, p.Gln353Pro (NM_001290310.3); c.317A>C, p.Gln106Pro (NM_001290312.1, NM_001323987.1, NM_001323988.1 and 17 more transcripts); c.1334A>C, p.Gln445Pro (NM_001323986.2); c.-23A>C (NM_001324006.1, NM_001324007.1, NM_001324008.1 and 2 more transcripts); c.224A>C, p.Gln75Pro (NM_001324011.1); and 1 more; short protein forms Q106P, Q25P, Q353P, Q373P, Q445P, Q476P, Q75P.
Identifiers: ClinVar variation 1002361 (VCV001002361.9), dbSNP rs1762102504, ClinGen allele CA361137154.
Genomic context (GRCh38, chr5:138,917,779, plus strand): 5'-GTGAAGTTTAATATCTTTTGCAGGTTATTAATGCTGCACTGGCTTTAGCAGCAAAACCAC[A>C]GAGTAAACTGGCCCAAGAGAACATGGATCTTTTTAAAGAACAATGGGAAAAACAAGTCCG-3'
Protein context (NP_001894.2, residues 466-486): NAALALAAKP[Gln476Pro]SKLAQENMDL